The following is an entry in ClinVar:

NM_001166114.2(PNPLA6):c.1489G>C (p.Glu497Gln)

Gene: PNPLA6 (patatin like domain 6, lysophospholipase; plus strand). Cytogenetic location: 19p13.2.
Variant type: single nucleotide variant.
Coding change: c.1489G>C on transcript NM_001166114.2 (MANE Select); coding-DNA position 1489, G replaced by C.
Protein change: p.Glu497Gln; replaces glutamic acid 497 with glutamine.
Molecular consequence: missense variant.
Genome position (GRCh38, 1-based): chr19:7,542,887, G>C. VCF-style: chr19-7542887-G-C. GRCh37 (hg19) VCF-style: chr19-7607773-G-C.
Other names: c.1516G>C, p.Glu506Gln (NM_001166111.2); c.1372G>C, p.Glu458Gln (NM_001166112.2, NM_001166113.1, NM_006702.5); short protein forms E458Q, E497Q, E506Q.
Identifiers: ClinVar variation 469615 (VCV000469615.5), dbSNP rs372128647, ClinGen allele CA9139826.
Genomic context (GRCh38, chr19:7,542,887, plus strand): 5'-TCGGCCACTGGTGGCTGCCCTTTCGGGCCCTACCAGGGCCGCCAGACCAGCAGCATCTTC[G>C]AGGCAGCAAAGCAGGAGCTGGCCAAGCTGATGCGGATTGAGGTGGGCAGCCGAGGGGAGC-3'
Protein context (NP_001159586.1, residues 487-507): YQGRQTSSIF[Glu497Gln]AAKQELAKLM

ClinVar aggregate classification (germline): Uncertain significance. Review status: criteria provided, multiple submitters, no conflicts (2 of 4 stars). 3 submissions from 3 submitters: Uncertain significance (3). Last evaluated 2024-07-15.

Conditions:
Inborn genetic diseases. Identifiers: MedGen C0950123, MeSH D030342.
Hereditary spastic paraplegia 39 (SPG39). Also called: Spastic Paraplegia Type 39 (SPG39); SPASTIC PARAPLEGIA 39, AUTOSOMAL RECESSIVE. Identifiers: Orphanet 139480, MedGen C2677586, MONDO:0012787, OMIM 612020.

Allele frequency attached by ClinVar (database versions not stated): ESP Exome Variant Server 0.00008; ExAC 0.00003; TOPMed 0.00006.
gnomAD v4.1: 203 of 1,613,302 alleles (0.013%); highest among the groups gnomAD compares: Admixed American, 0.018%; no homozygotes.

Submissions (3):

Blueprint Genetics
Classification: Uncertain significance. Last evaluated: 2024-07-15. Review status: criteria provided, single submitter. Criteria: ACMG Guidelines, 2015. Collection method: clinical testing. Allele origin: germline.

Ambry Genetics
Classification: Uncertain significance for Inborn genetic diseases. Last evaluated: 2024-04-04. Review status: criteria provided, single submitter. Criteria: Ambry Variant Classification Scheme 2023. Collection method: clinical testing. Allele origin: germline.

Labcorp Genetics (formerly Invitae), Labcorp
Classification: Uncertain significance for Hereditary spastic paraplegia 39. Last evaluated: 2022-08-23. Review status: criteria provided, single submitter. Criteria: Invitae Variant Classification Sherloc (09022015). Collection method: clinical testing. Allele origin: germline.
Comment: This sequence change replaces glutamic acid, which is acidic and polar, with glutamine, which is neutral and polar, at codon 458 of the PNPLA6 protein (p.Glu458Gln). This variant is present in population databases (rs372128647, gnomAD 0.007%). This variant has not been reported in the literature in individuals affected with PNPLA6-related conditions. ClinVar contains an entry for this variant (Variation ID: 469615). Algorithms developed to predict the effect of missense changes on protein structure and function are either unavailable or do not agree on the potential impact of this missense change (SIFT: "Tolerated"; PolyPhen-2: "Probably Damaging"; Align-GVGD: "Class C0"). In summary, the available evidence is currently insufficient to determine the role of this variant in disease. Therefore, it has been classified as a Variant of Uncertain Significance.